The following is an entry in ClinVar:

NM_005797.4(MPZL2):c.27G>A (p.Ala9=)

Gene: MPZL2 (myelin protein zero like 2; minus strand). Cytogenetic location: 11q23.3.
Variant type: single nucleotide variant.
Coding change: c.27G>A on transcript NM_005797.4 (MANE Select); coding-DNA position 27, G replaced by A.
Protein change: p.Ala9=; no amino-acid change (alanine 9 retained).
Molecular consequence: synonymous variant.
Genome position (GRCh38, 1-based): chr11:118,264,127, C>T on the plus strand (G>A on the coding strand, the complement: MPZL2 is on the minus strand). VCF-style: chr11-118264127-C-T. GRCh37 (hg19) VCF-style: chr11-118134842-C-T.
Other names: c.27G>A, p.Ala9= (NM_144765.3).
Identifiers: ClinVar variation 3056265 (VCV003056265.2), dbSNP rs754716119, ClinGen allele CA6301510.

ClinVar aggregate classification (germline): Likely benign (0 of 4 stars; one submission).

Conditions:
MPZL2-related disorder. Also called: MPZL2-related condition.

Allele frequency attached by ClinVar (database versions not stated): gnomAD 0.00001; gnomAD exomes 0.00001; TOPMed 0.00001; ExAC 0.00002.

Submission:

PreventionGenetics, part of Exact Sciences
Classification: Likely benign for MPZL2-related condition. Last evaluated: 2019-04-29. Review status: no assertion criteria provided. Collection method: clinical testing. Allele origin: germline.
Comment: This variant is classified as likely benign based on ACMG/AMP sequence variant interpretation guidelines (Richards et al. 2015 PMID: 25741868, with internal and published modifications).